The following is an entry in ClinVar:

ClinVar aggregate classification (germline): Uncertain significance. Review status: criteria provided, multiple submitters, no conflicts (2 of 4 stars). 2 submissions from 2 submitters: Uncertain significance (2). Last evaluated 2019-11-28.

Conditions:
Hereditary breast ovarian cancer syndrome. Also called: Hereditary breast and ovarian cancer; Hereditary breast and ovarian cancer syndrome (HBOC); Breast and ovarian cancer; Hereditary breast and ovarian cancer syndrome; BRCA1- and BRCA2-Associated Hereditary Breast and Ovarian Cancer; Hereditary breast and/or ovarian cancer syndrome. Identifiers: Orphanet 145, MedGen C0677776, MeSH D061325, MONDO:0003582. Disease mechanism: loss of function.

Submissions (2):

Labcorp Genetics (formerly Invitae), Labcorp
Classification: Uncertain significance for Hereditary breast ovarian cancer syndrome. Last evaluated: 2019-11-28. Review status: criteria provided, single submitter. Criteria: Invitae Variant Classification Sherloc (09022015). Collection method: clinical testing. Allele origin: germline.
Comment: In summary, the available evidence is currently insufficient to determine the role of this variant in disease. Therefore, it has been classified as a Variant of Uncertain Significance. This variant has not been reported in the literature in individuals with BRCA2-related conditions. ClinVar contains an entry for this variant (Variation ID: 632709). Algorithms developed to predict the effect of missense changes on protein structure and function are either unavailable or do not agree on the potential impact of this missense change (SIFT: "Deleterious"; PolyPhen-2: "Probably Damaging"; Align-GVGD: "Class C0"). This sequence change replaces phenylalanine with isoleucine at codon 2794 of the BRCA2 protein (p.Phe2794Ile). The phenylalanine residue is highly conserved and there is a small physicochemical difference between phenylalanine and isoleucine. This variant is not present in population databases (ExAC no frequency).

Women's Health and Genetics/Laboratory Corporation of America, LabCorp
Classification: Uncertain significance. Last evaluated: 2018-07-03. Review status: criteria provided, single submitter. Criteria: LabCorp Variant Classification Summary - May 2015. Collection method: clinical testing. Allele origin: germline.
Comment: Variant summary: BRCA2 c.8380T>A (p.Phe2794Ile) results in a non-conservative amino acid change in the encoded protein sequence. Four of four in-silico tools predict a damaging effect of the variant on protein function. The variant was absent in 121406 control chromosomes (gnomAD). The available data on variant occurrences in the general population are insufficient to allow any conclusion about variant significance. To our knowledge, no occurrence of c.8380T>A in individuals affected with Hereditary Breast and Ovarian Cancer and no experimental evidence demonstrating its impact on protein function have been reported. No clinical diagnostic laboratories have submitted clinical-significance assessments for this variant to ClinVar after 2014. Based on the evidence outlined above, the variant was classified as uncertain significance.

NM_000059.4(BRCA2):c.8380T>A (p.Phe2794Ile)

Gene: BRCA2 (BRCA2 DNA repair associated; plus strand). Cytogenetic location: 13q13.1.
Variant type: single nucleotide variant.
Coding change: c.8380T>A on transcript NM_000059.4 (MANE Select); coding-DNA position 8380, T replaced by A.
Protein change: p.Phe2794Ile; replaces phenylalanine 2794 with isoleucine.
Molecular consequence: missense variant.
Genome position (GRCh38, 1-based): chr13:32,370,450, T>A. VCF-style: chr13-32370450-T-A. GRCh37 (hg19) VCF-style: chr13-32944587-T-A.
Other names: short protein forms F2794I.
Identifiers: ClinVar variation 632709 (VCV000632709.11), dbSNP rs1566248770, ClinGen allele CA387752453.